The following is an entry in ClinVar:

ClinVar aggregate classification (germline): Pathogenic (1 of 4 stars; one submission).

Conditions:
NALCN-related disorder. Also called: NALCN-related disorders; NALCN-related condition.

Submission:

Rady Children's Institute for Genomic Medicine, Rady Children's Hospital San Diego
Classification: Pathogenic for NALCN-related disorders. Last evaluated: 2024-11-27. Review status: criteria provided, single submitter. Criteria: ACMG Guidelines, 2015. Collection method: clinical testing. Allele origin: germline. Affected: yes.
Comment: This nonsense variant found in exon 36 of 44 is predicted to result in loss of normal protein function through either protein truncation or nonsense-mediated mRNA decay. This variant has not been previously reported or functionally characterized in the literature to our knowledge. The c.4086T>G (p.Tyr1362Ter) variant is absent from the latest version of the gnomAD population database and thus is presumed to be rare. Based on the available evidence, c.4086T>G (p.Tyr1362Ter) is classified as Pathogenic.

NM_052867.4(NALCN):c.4086T>G (p.Tyr1362Ter)

Gene: NALCN (sodium leak channel, non-selective; minus strand). Cytogenetic location: 13q32.3.
Variant type: single nucleotide variant.
Coding change: c.4086T>G on transcript NM_052867.4 (MANE Select); coding-DNA position 4086, T replaced by G.
Protein change: p.Tyr1362Ter; replaces tyrosine 1362 with a stop codon.
Molecular consequence: nonsense.
Genome position (GRCh38, 1-based): chr13:101,074,531, A>C on the plus strand (T>G on the coding strand, the complement: NALCN is on the minus strand). VCF-style: chr13-101074531-A-C. GRCh37 (hg19) VCF-style: chr13-101726882-A-C.
Other names: c.4173T>G, p.Tyr1391Ter (NM_001350748.2); c.4086T>G, p.Tyr1362Ter (NM_001350749.2); c.3999T>G, p.Tyr1333Ter (NM_001350750.2, NM_001350751.2); short protein forms Y1333*, Y1362*, Y1391*.
Identifiers: ClinVar variation 4814189 (VCV004814189.1).